The following is an entry in ClinVar:

ClinVar aggregate classification (germline): Uncertain significance (1 of 4 stars; one submission).

Conditions:
Hereditary cancer-predisposing syndrome. Also called: Neoplastic Syndromes, Hereditary; Tumor predisposition; Hereditary Cancer Syndrome; Hereditary neoplastic syndrome. Identifiers: Orphanet 140162, MedGen C0027672, MeSH D009386, MONDO:0015356.

Submission:

Ambry Genetics
Classification: Uncertain significance for Hereditary cancer-predisposing syndrome. Last evaluated: 2019-12-30. Review status: criteria provided, single submitter. Criteria: Ambry Variant Classification Scheme 2023. Collection method: clinical testing. Allele origin: germline.
Comment: The p.A1159T variant (also known as c.3475G>A), located in coding exon 23 of the ATM gene, results from a G to A substitution at nucleotide position 3475. The alanine at codon 1159 is replaced by threonine, an amino acid with similar properties. This amino acid position is not well conserved in available vertebrate species. In addition, this alteration is predicted to be tolerated by in silico analysis. Since supporting evidence is limited at this time, the clinical significance of this alteration remains unclear.

NM_000051.4(ATM):c.3475G>A (p.Ala1159Thr)

Gene: ATM (ATM serine/threonine kinase; plus strand). Cytogenetic location: 11q22.3.
Variant type: single nucleotide variant.
Coding change: c.3475G>A on transcript NM_000051.4 (MANE Select); coding-DNA position 3475, G replaced by A.
Protein change: p.Ala1159Thr; replaces alanine 1159 with threonine.
Molecular consequence: missense variant.
Genome position (GRCh38, 1-based): chr11:108,281,067, G>A. VCF-style: chr11-108281067-G-A. GRCh37 (hg19) VCF-style: chr11-108151794-G-A.
Other names: c.3475G>A, p.Ala1159Thr (NM_001351834.2); short protein forms A1159T.
Identifiers: ClinVar variation 1731776 (VCV001731776.2), dbSNP rs2135667356, ClinGen allele CA382519471.